The following is an entry in ClinVar:

NM_014874.4(MFN2):c.781G>C (p.Asp261His)

Gene: MFN2 (mitofusin 2; plus strand). Cytogenetic location: 1p36.22.
Variant type: single nucleotide variant.
Coding change: c.781G>C on transcript NM_014874.4 (MANE Select); coding-DNA position 781, G replaced by C.
Protein change: p.Asp261His; replaces aspartic acid 261 with histidine.
Molecular consequence: missense variant.
Genome position (GRCh38, 1-based): chr1:11,999,060, G>C. VCF-style: chr1-11999060-G-C. GRCh37 (hg19) VCF-style: chr1-12059117-G-C.
Other names: c.781G>C, p.Asp261His (NM_001127660.2); short protein forms D261H.
Identifiers: ClinVar variation 1325701 (VCV001325701.1), dbSNP rs2100832682, ClinGen allele CA338439288.

ClinVar aggregate classification (germline): Uncertain significance (1 of 4 stars; one submission).

Conditions:
Charcot-Marie-Tooth disease type 2A2. Also called: CHARCOT-MARIE-TOOTH DISEASE, AXONAL, TYPE 2A2; HEREDITARY MOTOR AND SENSORY NEUROPATHY IIA2; HMSN IIA2; Charcot-Marie-Tooth Neuropathy Type 2A2; CHARCOT-MARIE-TOOTH DISEASE, NEURONAL, TYPE 2A2; CHARCOT-MARIE-TOOTH DISEASE, AXONAL, AUTOSOMAL DOMINANT, TYPE 2A2A. Identifiers: Orphanet 99947, MedGen C4721887, MONDO:0012231, OMIM 609260.

Submission:

Institute of Human Genetics, University of Leipzig Medical Center
Classification: Uncertain significance for Charcot-Marie-Tooth disease type 2A2. Last evaluated: 2021-10-05. Review status: criteria provided, single submitter. Criteria: ACMG Guidelines, 2015. Collection method: clinical testing. Allele origin: unknown. Affected: yes.
Comment: _x000D_ Criteria applied: PM2_SUP, PP3, PM1_SUP